The following is an entry in ClinVar:

NM_000038.6(APC):c.8492C>G (p.Pro2831Arg)

Gene: APC (APC regulator of Wnt signaling pathway; plus strand). Cytogenetic location: 5q22.2.
Variant type: single nucleotide variant.
Coding change: c.8492C>G on transcript NM_000038.6 (MANE Select); coding-DNA position 8492, C replaced by G.
Protein change: p.Pro2831Arg; replaces proline 2831 with arginine.
Molecular consequence: missense variant.
Genome position (GRCh38, 1-based): chr5:112,844,086, C>G. VCF-style: chr5-112844086-C-G. GRCh37 (hg19) VCF-style: chr5-112179783-C-G.
Other names: c.8492C>G, p.Pro2831Arg (NM_001127510.3, NM_001354895.2); c.8438C>G, p.Pro2813Arg (NM_001127511.3); c.8546C>G, p.Pro2849Arg (NM_001354896.2); c.8522C>G, p.Pro2841Arg (NM_001354897.2); c.8417C>G, p.Pro2806Arg (NM_001354898.2); c.8408C>G, p.Pro2803Arg (NM_001354899.2); c.8369C>G, p.Pro2790Arg (NM_001354900.2); c.8315C>G, p.Pro2772Arg (NM_001354901.2); and 5 more; short protein forms P2548R, P2671R, P2705R, P2730R, P2740R, P2772R, P2790R, P2803R.
Identifiers: ClinVar variation 928898 (VCV000928898.2), dbSNP rs773513581, ClinGen allele CA16039755.

ClinVar aggregate classification (germline): Uncertain significance. Review status: criteria provided, multiple submitters, no conflicts (2 of 4 stars). 2 submissions from 2 submitters: Uncertain significance (2). Last evaluated 2026-03-20.

Conditions:
Hereditary cancer-predisposing syndrome. Also called: Hereditary Cancer Syndrome; Neoplastic Syndromes, Hereditary; Tumor predisposition; Hereditary neoplastic syndrome. Identifiers: Orphanet 140162, MedGen C0027672, MeSH D009386, MONDO:0015356.

Submissions (2):

Ambry Genetics
Classification: Uncertain significance for Hereditary cancer-predisposing syndrome. Last evaluated: 2026-03-20. Review status: criteria provided, single submitter. Criteria: Ambry Variant Classification Scheme 2023. Collection method: clinical testing. Allele origin: germline.
Comment: The p.P2831R variant (also known as c.8492C>G), located in coding exon 15 of the APC gene, results from a C to G substitution at nucleotide position 8492. The proline at codon 2831 is replaced by arginine, an amino acid with dissimilar properties. This amino acid position is highly conserved in available vertebrate species. In addition, in silico predictors for this gene do not accurately predict pathogenicity. Missense variants in APC are not a common cause of disease (Spier I et al. Genet Med. 2024 Feb;26(2):100992). Based on the available evidence, the clinical significance of this variant remains unclear.

Women's Health and Genetics/Laboratory Corporation of America, LabCorp
Classification: Uncertain significance. Last evaluated: 2019-09-06. Review status: criteria provided, single submitter. Criteria: LabCorp Variant Classification Summary - May 2015. Collection method: clinical testing. Allele origin: germline.
Comment: Variant summary: APC c.8492C>G (p.Pro2831Arg) results in a non-conservative amino acid change located in the EB-1 binding domain (IPR009232) of the encoded protein sequence. Five of five in-silico tools predict a damaging effect of the variant on protein function. The variant was absent in 247976 control chromosomes (gnomAD). The available data on variant occurrences in the general population are insufficient to allow any conclusion about variant significance. To our knowledge, no occurrence of c.8492C>G in individuals affected with Familial Adenomatous Polyposis and no experimental evidence demonstrating its impact on protein function have been reported. No clinical diagnostic laboratories have submitted clinical-significance assessments for this variant to ClinVar after 2014. Based on the evidence outlined above, the variant was classified as uncertain significance.